The following is an entry in ClinVar:

ClinVar aggregate classification (germline): Uncertain significance (1 of 4 stars; one submission).

Allele frequency attached by ClinVar (database versions not stated): gnomAD exomes below 0.00001.
gnomAD v4.1: 2 of 1,613,098 alleles (0.00012%); highest among the groups gnomAD compares: East Asian, 0.0022%; no homozygotes.

Submission:

Labcorp Genetics (formerly Invitae), Labcorp
Classification: Uncertain significance. Last evaluated: 2021-11-19. Review status: criteria provided, single submitter. Criteria: Invitae Variant Classification Sherloc (09022015). Collection method: clinical testing. Allele origin: germline.
Comment: In summary, the available evidence is currently insufficient to determine the role of this variant in disease. Therefore, it has been classified as a Variant of Uncertain Significance. Variants that disrupt the consensus splice site are a relatively common cause of aberrant splicing (PMID: 17576681, 9536098). Algorithms developed to predict the effect of sequence changes on RNA splicing suggest that this variant is not likely to affect RNA splicing. This variant has not been reported in the literature in individuals affected with COL9A3-related conditions. This variant is not present in population databases (gnomAD no frequency). This sequence change falls in intron 5 of the COL9A3 gene. It does not directly change the encoded amino acid sequence of the COL9A3 protein. It affects a nucleotide within the consensus splice site.

Literature cited by the submitters: PubMed 17576681; PubMed 9536098.

NM_001853.4(COL9A3):c.310-3C>T

Gene: COL9A3 (collagen type IX alpha 3 chain; plus strand). Cytogenetic location: 20q13.33.
Variant type: single nucleotide variant.
Coding change: c.310-3C>T on transcript NM_001853.4 (MANE Select); 3 bases into the intron before coding-DNA position 310, C replaced by T.
Molecular consequence: intron variant.
Genome position (GRCh38, 1-based): chr20:62,821,178, C>T. VCF-style: chr20-62821178-C-T. GRCh37 (hg19) VCF-style: chr20-61452530-C-T.
Identifiers: ClinVar variation 1394048 (VCV001394048.6), dbSNP rs2147199641, ClinGen allele CA2573157266.